The following is an entry in ClinVar:

ClinVar aggregate classification (germline): Uncertain significance. Review status: criteria provided, multiple submitters, no conflicts (2 of 4 stars). 3 submissions from 3 submitters: Uncertain significance (3). Last evaluated 2025-11-01.

Conditions:
Inborn genetic diseases. Identifiers: MedGen C0950123, MeSH D030342.

Allele frequency attached by ClinVar (database versions not stated): gnomAD 0.00002; TOPMed 0.00003.
gnomAD v4.1: 5 of 1,611,942 alleles (0.00031%); highest among the groups gnomAD compares: African/African-American, 0.0013%; no homozygotes.

Submissions (3):

CeGaT Center for Human Genetics Tuebingen
Classification: Uncertain significance. Last evaluated: 2025-11-01. Review status: criteria provided, single submitter. Criteria: CeGaT Center For Human Genetics Tuebingen Variant Classification Criteria Version 2. Collection method: clinical testing. Allele origin: germline. Affected: yes. Observed: 1 variant allele.

Labcorp Genetics (formerly Invitae), Labcorp
Classification: Uncertain significance. Last evaluated: 2025-04-17. Review status: criteria provided, single submitter. Criteria: Invitae Variant Classification Sherloc (09022015). Collection method: clinical testing. Allele origin: germline.
Comment: This sequence change replaces serine, which is neutral and polar, with phenylalanine, which is neutral and non-polar, at codon 480 of the GANAB protein (p.Ser480Phe). This variant is not present in population databases (gnomAD no frequency). This variant has not been reported in the literature in individuals affected with GANAB-related conditions. ClinVar contains an entry for this variant (Variation ID: 3098284). Invitae Evidence Modeling of protein sequence and biophysical properties (such as structural, functional, and spatial information, amino acid conservation, physicochemical variation, residue mobility, and thermodynamic stability) indicates that this missense variant is not expected to disrupt GANAB protein function with a negative predictive value of 80%. In summary, the available evidence is currently insufficient to determine the role of this variant in disease. Therefore, it has been classified as a Variant of Uncertain Significance.

Ambry Genetics
Classification: Uncertain significance for Inborn genetic diseases. Last evaluated: 2024-01-02. Review status: criteria provided, single submitter. Criteria: Ambry Variant Classification Scheme 2023. Collection method: clinical testing. Allele origin: germline.

NM_198334.3(GANAB):c.1373C>T (p.Ser458Phe)

Gene: GANAB (glucosidase II alpha subunit; minus strand). Cytogenetic location: 11q12.3.
Variant type: single nucleotide variant.
Coding change: c.1373C>T on transcript NM_198334.3 (MANE Select); coding-DNA position 1373, C replaced by T.
Protein change: p.Ser458Phe; replaces serine 458 with phenylalanine.
Molecular consequence: missense variant.
Genome position (GRCh38, 1-based): chr11:62,630,614, G>A on the plus strand (C>T on the coding strand, the complement: GANAB is on the minus strand). VCF-style: chr11-62630614-G-A. GRCh37 (hg19) VCF-style: chr11-62398086-G-A.
Other names: c.1097C>T, p.Ser366Phe (NM_001278192.2); c.1031C>T, p.Ser344Phe (NM_001278193.2); c.1082C>T, p.Ser361Phe (NM_001278194.2, NM_001329222.2, NM_001329223.2); c.650C>T, p.Ser217Phe (NM_001329224.2, NM_001329225.2); c.1439C>T, p.Ser480Phe (NM_198335.4); short protein forms S366F, S458F, S217F, S344F, S361F, S480F.
Identifiers: ClinVar variation 3098284 (VCV003098284.8), dbSNP rs951594627, ClinGen allele CA223048131.